The following is an entry in ClinVar:

NM_001360016.2(G6PD):c.690C>T (p.Ile230=)

Gene: G6PD (glucose-6-phosphate dehydrogenase; minus strand). Cytogenetic location: Xq28.
Variant type: single nucleotide variant.
Coding change: c.690C>T on transcript NM_001360016.2 (MANE Select); coding-DNA position 690, C replaced by T.
Protein change: p.Ile230=; no amino-acid change (isoleucine 230 retained).
Molecular consequence: synonymous variant.
Genome position (GRCh38, 1-based): chrX:154,534,115, G>A on the plus strand (C>T on the coding strand, the complement: G6PD is on the minus strand). VCF-style: chrX-154534115-G-A. GRCh37 (hg19) VCF-style: chrX-153762330-G-A.
Other names: c.780C>T, p.Ile260= (NM_000402.4); c.690C>T, p.Ile230= (NM_001042351.3).
Identifiers: ClinVar variation 703479 (VCV000703479.19), dbSNP rs781917123, ClinGen allele CA10566182.
Genomic context (GRCh38, chrX:154,534,115, plus strand): 5'-GAAATAGCCCCCGCGACCCTCAGTGCCAAAGGGCTCCTTGAAGGTGAGGATAACGCAGGC[G>A]ATGTTGTCCCGGTTCCAGATGGGGCCGAAGATCCTGTTGGCAAATCTGCAGGGAGGGGCA-3'
Protein context (NP_001346945.1, residues 220-240): IFGPIWNRDN[Ile230=]ACVILTFKEP

ClinVar aggregate classification (germline): Benign/Likely benign. Review status: criteria provided, multiple submitters, no conflicts (2 of 4 stars). 6 submissions from 6 submitters: Benign (2); Likely benign (4). Last evaluated 2025-10-03.

Conditions:
Anemia, nonspherocytic hemolytic, due to G6PD deficiency (CNSHA1). Also called: Hemolytic anemia due to G6PD deficiency; Class I glucose-6-phosphate dehydrogenase deficiency; Favism, susceptibility to; ANEMIA, CONGENITAL, NONSPHEROCYTIC HEMOLYTIC, 1. Identifiers: Orphanet 466026, MedGen C2720289, MONDO:0010480, OMIM 300908.
Inborn genetic diseases. Identifiers: MedGen C0950123, MeSH D030342.

Allele frequency attached by ClinVar (database versions not stated): TOPMed 0.00003; gnomAD 0.00005; gnomAD exomes 0.00030 and 0.00057; 1000 Genomes Project 30x 0.00062; ExAC 0.00064; 1000 Genomes Project 0.00079.
gnomAD v4.1: 344 of 1,210,487 alleles (0.028%); highest among the groups gnomAD compares: South Asian, 0.56%; 3 homozygotes.

Submissions (6):

Labcorp Genetics (formerly Invitae), Labcorp
Classification: Benign for Anemia, nonspherocytic hemolytic, due to G6PD deficiency. Last evaluated: 2025-10-03. Review status: criteria provided, single submitter. Criteria: Invitae Variant Classification Sherloc (09022015). Collection method: clinical testing. Allele origin: germline.

Ambry Genetics
Classification: Likely benign for Inborn genetic diseases. Last evaluated: 2025-08-28. Review status: criteria provided, single submitter. Criteria: Ambry Variant Classification Scheme 2023. Collection method: clinical testing. Allele origin: germline.

ARUP Laboratories, Molecular Genetics and Genomics, ARUP Laboratories
Classification: Benign. Last evaluated: 2025-06-19. Review status: criteria provided, single submitter. Criteria: ARUP Molecular Germline Variant Investigation Process 2024. Collection method: clinical testing. Allele origin: germline.

Dunham Lab, University of Washington
Classification: Likely benign for Anemia, nonspherocytic hemolytic, due to G6PD deficiency. Last evaluated: 2024-12-05. Review status: criteria provided, single submitter. Criteria: Bayesian ACMG Guidelines, 2018. Collection method: curation. Allele origin: unknown. Affected: no.
Comment: Previously interpreted as bening (BP6). Post_P 0.0028 (odds of pathogenicity 0.026, Prior_P 0.1).

Blueprint Genetics
Classification: Likely benign. Last evaluated: 2024-10-23. Review status: criteria provided, single submitter. Criteria: ACMG Guidelines, 2015. Collection method: clinical testing. Allele origin: germline.

Women's Health and Genetics/Laboratory Corporation of America, LabCorp
Classification: Likely benign. Last evaluated: 2023-08-09. Review status: criteria provided, single submitter. Criteria: LabCorp Variant Classification Summary - May 2015. Collection method: clinical testing. Allele origin: germline.

Literature cited by the submitters: PubMed 28356147 (cited by Dunham Lab, University of Washington).